The following is an entry in ClinVar:

ClinVar aggregate classification (germline): Uncertain significance. Review status: criteria provided, multiple submitters, no conflicts (2 of 4 stars). 3 submissions from 3 submitters: Uncertain significance (3). Last evaluated 2025-11-22.

Conditions:
Atrioventricular septal defect 4 (AVSD4). Identifiers: MedGen C3280781, MONDO:0013747, OMIM 614430.

Allele frequency attached by ClinVar (database versions not stated): gnomAD 0.00003.
gnomAD v4.1: 1 of 1,540,244 alleles (0.000065%); highest among the groups gnomAD compares: African/African-American, 0.0014%; no homozygotes.

Submissions (3):

GeneDx
Classification: Uncertain significance. Last evaluated: 2025-11-22. Review status: criteria provided, single submitter. Criteria: GeneDx Variant Classification Process June 2021. Collection method: clinical testing. Allele origin: germline.
Comment: Identified in a patient with atrial and ventricular septal defects, pulmonary hypoplasia, respiratory failure, and hydronephrosis (PMID: 30755392); Not observed at significant frequency in large population cohorts (gnomAD); In silico analysis suggests that this missense variant does not alter protein structure/function; This variant is associated with the following publications: (PMID: 17352393, 30755392)

Labcorp Genetics (formerly Invitae), Labcorp
Classification: Uncertain significance for Atrioventricular septal defect 4. Last evaluated: 2022-05-23. Review status: criteria provided, single submitter. Criteria: Invitae Variant Classification Sherloc (09022015). Collection method: clinical testing. Allele origin: germline.
Comment: In summary, the available evidence is currently insufficient to determine the role of this variant in disease. Therefore, it has been classified as a Variant of Uncertain Significance. Algorithms developed to predict the effect of missense changes on protein structure and function are either unavailable or do not agree on the potential impact of this missense change (SIFT: "Tolerated"; PolyPhen-2: "Probably Damaging"; Align-GVGD: "Class C0"). ClinVar contains an entry for this variant (Variation ID: 599008). This missense change has been observed in individual(s) with clinical features of GATA4-related conditions (PMID: 30755392). This variant is present in population databases (no rsID available, gnomAD 0.01%). This sequence change replaces alanine, which is neutral and non-polar, with proline, which is neutral and non-polar, at codon 32 of the GATA4 protein (p.Ala32Pro).

Center for Personalized Medicine, Children's Hospital Los Angeles
Classification: Uncertain significance. Last evaluated: 2018-11-19. Review status: criteria provided, single submitter. Criteria: ACMG Guidelines, 2015. Collection method: clinical testing. Allele origin: germline. Affected: yes.

Literature cited by the submitters: PubMed 30755392 (cited by Labcorp Genetics (formerly Invitae), Labcorp).

NM_001308093.3(GATA4):c.94G>C (p.Ala32Pro)

Gene: GATA4 (GATA binding protein 4). Cytogenetic location: 8p23.1.
Variant type: single nucleotide variant.
Coding change: c.94G>C on transcript NM_001308093.3 (MANE Select); coding-DNA position 94, G replaced by C.
Protein change: p.Ala32Pro; replaces alanine 32 with proline.
Molecular consequence: missense variant. On other transcripts: intron variant (3).
Genome position (GRCh38, 1-based): chr8:11,708,406, G>C. VCF-style: chr8-11708406-G-C. GRCh37 (hg19) VCF-style: chr8-11565915-G-C.
Other names: c.94G>C, p.Ala32Pro (NM_002052.5); c.-6+7628G>C (NM_001308094.2); c.-3+392G>C (NM_001374274.1); c.-3+4102G>C (NM_001374273.1); c.94G>C (NM_002052.3); short protein forms A32P.
Identifiers: ClinVar variation 599008 (VCV000599008.11), dbSNP rs773545065, ClinGen allele CA172074520.